The following is an entry in ClinVar:

NM_001042492.3(NF1):c.3336C>G (p.Asn1112Lys)

Gene: NF1 (neurofibromin 1; plus strand). Cytogenetic location: 17q11.2.
Variant type: single nucleotide variant.
Coding change: c.3336C>G on transcript NM_001042492.3 (MANE Select); coding-DNA position 3336, C replaced by G.
Protein change: p.Asn1112Lys; replaces asparagine 1112 with lysine.
Molecular consequence: missense variant.
Genome position (GRCh38, 1-based): chr17:31,232,721, C>G. VCF-style: chr17-31232721-C-G. GRCh37 (hg19) VCF-style: chr17-29559739-C-G.
Other names: c.3336C>G, p.Asn1112Lys (NM_000267.4); short protein forms N1112K.
Identifiers: ClinVar variation 952627 (VCV000952627.10), dbSNP rs1060500262, ClinGen allele CA398989011.
Genomic context (GRCh38, chr17:31,232,721, plus strand): 5'-GGCCTTCACTATGTAAAGGTCAGTCTTTTTATTTCTCAGATACTTCACATTATTTATGAA[C>G]CTTTTGAATGACTGCAGTGAAGTTGAAGATGAAAGTGCGCAAACAGGTGGCAGGAAACGT-3'
Protein context (NP_001035957.1, residues 1102-1122): LFLKYFTLFM[Asn1112Lys]LLNDCSEVED

ClinVar aggregate classification (germline): Conflicting classifications of pathogenicity. Review status: criteria provided, conflicting classifications (1 of 4 stars). 2 submissions from 2 submitters: Uncertain significance (1); Likely benign (1). Last evaluated 2026-07-09.

Conditions:
Hereditary cancer-predisposing syndrome. Also called: Neoplastic Syndromes, Hereditary; Hereditary Cancer Syndrome; Tumor predisposition; Hereditary neoplastic syndrome. Identifiers: Orphanet 140162, MedGen C0027672, MeSH D009386, MONDO:0015356.
Cardiovascular phenotype. Identifiers: MedGen CN230736.
Neurofibromatosis, type 1 (NF1). Also called: Peripheral type neurofibromatosis; VON RECKLINGHAUSEN DISEASE; Neurofibromatosis, type I; NEUROFIBROMATOSIS, TYPE I, SOMATIC. Identifiers: Orphanet 636, MedGen C0027831, MONDO:0018975, OMIM 162200. Disease mechanism: loss of function.

Submissions (2):

Ambry Genetics
Classification: Likely benign for Cardiovascular phenotype; Hereditary cancer-predisposing syndrome. Last evaluated: 2026-07-09. Review status: criteria provided, single submitter. Criteria: Ambry Variant Classification Scheme 2023. Collection method: clinical testing. Allele origin: germline.

Labcorp Genetics (formerly Invitae), Labcorp
Classification: Uncertain significance for Neurofibromatosis, type 1. Last evaluated: 2022-05-28. Review status: criteria provided, single submitter. Criteria: Invitae Variant Classification Sherloc (09022015). Collection method: clinical testing. Allele origin: germline.
Comment: This sequence change replaces asparagine, which is neutral and polar, with lysine, which is basic and polar, at codon 1112 of the NF1 protein (p.Asn1112Lys). This variant is not present in population databases (gnomAD no frequency). This variant has not been reported in the literature in individuals affected with NF1-related conditions. ClinVar contains an entry for this variant (Variation ID: 952627). Advanced modeling of protein sequence and biophysical properties (such as structural, functional, and spatial information, amino acid conservation, physicochemical variation, residue mobility, and thermodynamic stability) performed at Invitae indicates that this missense variant is not expected to disrupt NF1 protein function. Algorithms developed to predict the effect of sequence changes on RNA splicing suggest that this variant may create or strengthen a splice site. In summary, the available evidence is currently insufficient to determine the role of this variant in disease. Therefore, it has been classified as a Variant of Uncertain Significance.